The following is an entry in ClinVar:

ClinVar aggregate classification (germline): Uncertain significance. Review status: criteria provided, multiple submitters, no conflicts (2 of 4 stars). 2 submissions from 2 submitters: Uncertain significance (2). Last evaluated 2025-01-15.

Conditions:
Inborn genetic diseases. Identifiers: MedGen C0950123, MeSH D030342.

Allele frequency attached by ClinVar (database versions not stated): gnomAD exomes 0.00003; ESP Exome Variant Server 0.00008.
gnomAD v4.1: 40 of 1,602,694 alleles (0.0025%); highest among the groups gnomAD compares: Non-Finnish European, 0.0034%; no homozygotes.

Submissions (2):

Ambry Genetics
Classification: Uncertain significance for Inborn genetic diseases. Last evaluated: 2025-01-15. Review status: criteria provided, single submitter. Criteria: Ambry Variant Classification Scheme 2023. Collection method: clinical testing. Allele origin: germline.

GeneDx
Classification: Uncertain significance. Last evaluated: 2022-06-30. Review status: criteria provided, single submitter. Criteria: GeneDx Variant Classification Process June 2021. Collection method: clinical testing. Allele origin: germline. Affected: yes.
Comment: Not observed at significant frequency in large population cohorts (gnomAD); In silico analysis supports that this missense variant does not alter protein structure/function; Has not been previously published as pathogenic or benign to our knowledge

NM_022114.4(PRDM16):c.598A>G (p.Ile200Val)

Gene: PRDM16 (PR/SET domain 16; plus strand). Cytogenetic location: 1p36.32.
Variant type: single nucleotide variant.
Coding change: c.598A>G on transcript NM_022114.4 (MANE Select); coding-DNA position 598, A replaced by G.
Protein change: p.Ile200Val; replaces isoleucine 200 with valine.
Molecular consequence: missense variant.
Genome position (GRCh38, 1-based): chr1:3,396,515, A>G. VCF-style: chr1-3396515-A-G. GRCh37 (hg19) VCF-style: chr1-3313079-A-G.
Other names: c.598A>G, p.Ile200Val (NM_199454.3); short protein forms I200V.
Identifiers: ClinVar variation 1809989 (VCV001809989.2), dbSNP rs375877356, ClinGen allele CA17010949.